The following is an entry in ClinVar:

ClinVar aggregate classification (germline): Uncertain significance (1 of 4 stars; one submission).

Allele frequency attached by ClinVar (database versions not stated): gnomAD exomes 0.00001; TOPMed 0.00001.
gnomAD v4.1: 1 of 1,614,230 alleles (0.000062%); highest among the groups gnomAD compares: Admixed American, 0.0017%; no homozygotes.

Submission:

Labcorp Genetics (formerly Invitae), Labcorp
Classification: Uncertain significance. Last evaluated: 2023-09-05. Review status: criteria provided, single submitter. Criteria: Invitae Variant Classification Sherloc (09022015). Collection method: clinical testing. Allele origin: germline.
Comment: In summary, the available evidence is currently insufficient to determine the role of this variant in disease. Therefore, it has been classified as a Variant of Uncertain Significance. An algorithm developed to predict the effect of missense changes on protein structure and function (PolyPhen-2) suggests that this variant is likely to be disruptive. ClinVar contains an entry for this variant (Variation ID: 1025989). This variant has not been reported in the literature in individuals affected with CEP250-related conditions. This variant is present in population databases (no rsID available, gnomAD 0.003%). This sequence change replaces lysine, which is basic and polar, with asparagine, which is neutral and polar, at codon 731 of the CEP250 protein (p.Lys731Asn).

NM_007186.6(CEP250):c.2193G>C (p.Lys731Asn)

Genes: CEP250 (centrosomal protein 250; plus strand), CEP250-AS1 (CEP250 antisense RNA 1; minus strand). Cytogenetic location: 20q11.22.
Variant type: single nucleotide variant.
Coding change: c.2193G>C on transcript NM_007186.6 (MANE Select); coding-DNA position 2193, G replaced by C.
Protein change: p.Lys731Asn; replaces lysine 731 with asparagine.
Molecular consequence: missense variant.
Genome position (GRCh38, 1-based): chr20:35,479,329, G>C. VCF-style: chr20-35479329-G-C. GRCh37 (hg19) VCF-style: chr20-34067154-G-C.
Other names: c.297G>C, p.Lys99Asn (NM_001318219.1); short protein forms K731N, K99N.
Identifiers: ClinVar variation 1025989 (VCV001025989.9), dbSNP rs1318845855, ClinGen allele CA408768889.
Genomic context (GRCh38, chr20:35,479,329, plus strand): 5'-GCAGCTACATCAGGAGGCAAAGCGACAGGAAGAAGTGCTTGCCAGGGCAGTCCAGGAGAA[G>C]GAGGCCCTAGTACGAGAGAAAGCGGCTCTAGAGGTGCGGCTGCAGGCCGTGGAGCGTGAC-3'
Protein context (NP_009117.2, residues 721-741): EEVLARAVQE[Lys731Asn]EALVREKAAL